The following is an entry in ClinVar:

ClinVar aggregate classification (germline): Uncertain significance. Review status: criteria provided, multiple submitters, no conflicts (2 of 4 stars). 2 submissions from 2 submitters: Uncertain significance (2). Last evaluated 2024-07-25.

Conditions:
Inborn genetic diseases. Identifiers: MedGen C0950123, MeSH D030342.
Idiopathic generalized epilepsy. Also called: EIG; Generalised epilepsy. Identifiers: MedGen C0270850, MONDO:0005579, OMIM 600669.

Allele frequency attached by ClinVar (database versions not stated): ESP Exome Variant Server 0.00015.
gnomAD v4.1: 74 of 1,613,980 alleles (0.0046%); highest among the groups gnomAD compares: Non-Finnish European, 0.0061%; no homozygotes.

Submissions (2):

Labcorp Genetics (formerly Invitae), Labcorp
Classification: Uncertain significance for Idiopathic generalized epilepsy. Last evaluated: 2024-07-25. Review status: criteria provided, single submitter. Criteria: Invitae Variant Classification Sherloc (09022015). Collection method: clinical testing. Allele origin: germline.
Comment: This sequence change replaces proline, which is neutral and non-polar, with alanine, which is neutral and non-polar, at codon 87 of the RBFOX1 protein (p.Pro87Ala). This variant is present in population databases (rs143573994, gnomAD 0.004%). This variant has not been reported in the literature in individuals affected with RBFOX1-related conditions. ClinVar contains an entry for this variant (Variation ID: 2546595). Advanced modeling of protein sequence and biophysical properties (such as structural, functional, and spatial information, amino acid conservation, physicochemical variation, residue mobility, and thermodynamic stability) performed at Invitae indicates that this missense variant is not expected to disrupt RBFOX1 protein function with a negative predictive value of 80%. In summary, the available evidence is currently insufficient to determine the role of this variant in disease. Therefore, it has been classified as a Variant of Uncertain Significance.

Ambry Genetics
Classification: Uncertain significance for Inborn genetic diseases. Last evaluated: 2023-05-16. Review status: criteria provided, single submitter. Criteria: Ambry Variant Classification Scheme 2023. Collection method: clinical testing. Allele origin: germline.

NM_018723.4(RBFOX1):c.199C>G (p.Pro67Ala)

Gene: RBFOX1 (RNA binding fox-1 homolog 1; plus strand). Cytogenetic location: 16p13.3.
Variant type: single nucleotide variant.
Coding change: c.199C>G on transcript NM_018723.4 (MANE Select); coding-DNA position 199, C replaced by G.
Protein change: p.Pro67Ala; replaces proline 67 with alanine.
Molecular consequence: missense variant.
Genome position (GRCh38, 1-based): chr16:7,518,318, C>G. VCF-style: chr16-7518318-C-G. GRCh37 (hg19) VCF-style: chr16-7568320-C-G.
Other names: c.199C>G, p.Pro67Ala (NM_001142333.2, NM_001142334.2, NM_001364800.2 and 1 more transcripts); c.328C>G, p.Pro110Ala (NM_001308117.1, NM_001411047.1, NM_001415891.1 and 5 more transcripts); c.796C>G, p.Pro266Ala (NM_001415887.1, NM_001415888.1); c.307C>G, p.Pro103Ala (NM_001415889.1, NM_001415892.1, NM_001415894.1 and 5 more transcripts); c.274C>G, p.Pro92Ala (NM_001415890.1, NM_001415893.1, NM_001415899.1 and 4 more transcripts); c.259C>G, p.Pro87Ala (NM_001415896.1, NM_001415904.1, NM_001415906.1 and 4 more transcripts); c.205C>G, p.Pro69Ala (NM_001415902.1, NM_001415911.1, NM_001415917.1); short protein forms P266A, P92A, P69A, P87A, P103A, P110A, P67A.
Identifiers: ClinVar variation 2546595 (VCV002546595.4), dbSNP rs143573994, ClinGen allele CA7891355.
Genomic context (GRCh38, chr16:7,518,318, plus strand): 5'-CACCCCGCGCCAGAGTACACAGGCCAGACCACGGTTCCCGAGCACACATTAAACCTGTAC[C>G]CTCCCGCCCAGACGCACTCCGAGCAGAGCCCGGCGGACACGAGCGCTCAGACCGTCTCTG-3'
Protein context (NP_061193.2, residues 57-77): TVPEHTLNLY[Pro67Ala]PAQTHSEQSP